The following is an entry in ClinVar:

NM_006269.2(RP1):c.4111G>T (p.Asp1371Tyr)

Gene: RP1 (RP1 axonemal microtubule associated; plus strand). Cytogenetic location: 8q12.1.
Variant type: single nucleotide variant.
Coding change: c.4111G>T on transcript NM_006269.2 (MANE Select); coding-DNA position 4111, G replaced by T.
Protein change: p.Asp1371Tyr; replaces aspartic acid 1371 with tyrosine.
Molecular consequence: missense variant. On other transcripts: intron variant (1).
Genome position (GRCh38, 1-based): chr8:54,627,993, G>T. VCF-style: chr8-54627993-G-T. GRCh37 (hg19) VCF-style: chr8-55540553-G-T.
Other names: c.787+5705G>T (NM_001375654.1); short protein forms D1371Y.
Identifiers: ClinVar variation 834417 (VCV000834417.10), dbSNP rs1345041355, ClinGen allele CA370981290.
Genomic context (GRCh38, chr8:54,627,993, plus strand): 5'-ACATATACTGATAACTTGGATTCAACTGAAGAGTTAGAAAGAGGTGATGACATTCAGAAA[G>T]ATCTAAATATTTTGACAGACCCTGAATATAAAAATGGATTTAATACATTGGTGTCACATC-3'
Protein context (NP_006260.1, residues 1361-1381): ELERGDDIQK[Asp1371Tyr]LNILTDPEYK

ClinVar aggregate classification (germline): Uncertain significance (1 of 4 stars; one submission).

Allele frequency attached by ClinVar (database versions not stated): gnomAD exomes below 0.00001 and 0.00001; TOPMed below 0.00001.

Submission:

Labcorp Genetics (formerly Invitae), Labcorp
Classification: Uncertain significance. Last evaluated: 2020-08-04. Review status: criteria provided, single submitter. Criteria: Invitae Variant Classification Sherloc (09022015). Collection method: clinical testing. Allele origin: germline.
Comment: In summary, the available evidence is currently insufficient to determine the role of this variant in disease. Therefore, it has been classified as a Variant of Uncertain Significance. Algorithms developed to predict the effect of missense changes on protein structure and function are either unavailable or do not agree on the potential impact of this missense change (SIFT: "Deleterious"; PolyPhen-2: "Possibly Damaging"; Align-GVGD: "Class C0"). This variant has not been reported in the literature in individuals with RP1-related conditions. This variant is not present in population databases (ExAC no frequency). This sequence change replaces aspartic acid with tyrosine at codon 1371 of the RP1 protein (p.Asp1371Tyr). The aspartic acid residue is moderately conserved and there is a large physicochemical difference between aspartic acid and tyrosine.